The following is an entry in ClinVar:

NM_015506.3(MMACHC):c.*20T>C

Gene: MMACHC (metabolism of cobalamin associated C; plus strand). Cytogenetic location: 1p34.1.
Variant type: single nucleotide variant.
Coding change: c.*20T>C on transcript NM_015506.3 (MANE Select); 20 bases downstream of the stop codon, T replaced by C.
Molecular consequence: 3 prime UTR variant.
Genome position (GRCh38, 1-based): chr1:45,509,235, T>C. VCF-style: chr1-45509235-T-C. GRCh37 (hg19) VCF-style: chr1-45974907-T-C.
Other names: c.*20T>C (NM_001330540.2).
Identifiers: ClinVar variation 388271 (VCV000388271.1), dbSNP rs376765500, ClinGen allele CA827886.

ClinVar aggregate classification (germline): Likely benign (1 of 4 stars; one submission).

Allele frequency attached by ClinVar (database versions not stated): gnomAD exomes 0.00002; ESP Exome Variant Server 0.00008; ExAC 0.00003; gnomAD 0.00008; TOPMed 0.00008.
gnomAD v4.1: 28 of 1,613,752 alleles (0.0017%); highest among the groups gnomAD compares: African/African-American, 0.024%; no homozygotes.

Submission:

GeneDx
Classification: Likely benign. Last evaluated: 2016-08-12. Review status: criteria provided, single submitter. Criteria: GeneDx Variant Classification (06012015). Collection method: clinical testing. Allele origin: germline. Affected: yes.
Comment: This variant is considered likely benign or benign based on one or more of the following criteria: it is a conservative change, it occurs at a poorly conserved position in the protein, it is predicted to be benign by multiple in silico algorithms, and/or has population frequency not consistent with disease.